The following is an entry in ClinVar:

NM_000376.3(VDR):c.411C>A (p.Asp137Glu)

Gene: VDR (vitamin D receptor; minus strand). Cytogenetic location: 12q13.11.
Variant type: single nucleotide variant.
Coding change: c.411C>A on transcript NM_000376.3 (MANE Select); coding-DNA position 411, C replaced by A.
Protein change: p.Asp137Glu; replaces aspartic acid 137 with glutamic acid.
Molecular consequence: missense variant.
Genome position (GRCh38, 1-based): chr12:47,857,555, G>T on the plus strand (C>A on the coding strand, the complement: VDR is on the minus strand). VCF-style: chr12-47857555-G-T. GRCh37 (hg19) VCF-style: chr12-48251338-G-T.
Other names: c.411C>A, p.Asp137Glu (NM_001017535.2, NM_001364085.2, NM_001374661.1 and 1 more transcripts); c.561C>A, p.Asp187Glu (NM_001017536.2); short protein forms D187E, D137E.
Identifiers: ClinVar variation 1517667 (VCV001517667.3), dbSNP rs144628070, ClinGen allele CA384519323.

ClinVar aggregate classification (germline): Uncertain significance (1 of 4 stars; one submission).

gnomAD v4.1: 1 of 1,614,194 alleles (0.000062%); highest among the groups gnomAD compares: Admixed American, 0.0017%; no homozygotes.

Submission:

Labcorp Genetics (formerly Invitae), Labcorp
Classification: Uncertain significance. Last evaluated: 2022-06-05. Review status: criteria provided, single submitter. Criteria: Invitae Variant Classification Sherloc (09022015). Collection method: clinical testing. Allele origin: germline.
Comment: This sequence change replaces aspartic acid, which is acidic and polar, with glutamic acid, which is acidic and polar, at codon 137 of the VDR protein (p.Asp137Glu). This variant is not present in population databases (gnomAD no frequency). This variant has not been reported in the literature in individuals affected with VDR-related conditions. ClinVar contains an entry for this variant (Variation ID: 1517667). Algorithms developed to predict the effect of missense changes on protein structure and function output the following: SIFT: "Tolerated"; PolyPhen-2: "Benign"; Align-GVGD: "Class C0". The glutamic acid amino acid residue is found in multiple mammalian species, which suggests that this missense change does not adversely affect protein function. In summary, the available evidence is currently insufficient to determine the role of this variant in disease. Therefore, it has been classified as a Variant of Uncertain Significance.